The following is an entry in ClinVar:

NM_001267550.2(TTN):c.61850C>G (p.Ser20617Ter)

Genes: TTN-AS1 (TTN antisense RNA 1; plus strand), TTN (titin; minus strand). Cytogenetic location: 2q31.2.
Variant type: single nucleotide variant.
Coding change: c.61850C>G on transcript NM_001267550.2 (MANE Select); coding-DNA position 61850, C replaced by G.
Protein change: p.Ser20617Ter; replaces serine 20617 with a stop codon.
Molecular consequence: nonsense.
Genome position (GRCh38, 1-based): chr2:178,589,875, G>C on the plus strand (C>G on the coding strand, the complement: TTN is on the minus strand). VCF-style: chr2-178589875-G-C. GRCh37 (hg19) VCF-style: chr2-179454602-G-C.
Other names: c.56927C>G, p.Ser18976Ter (NM_001256850.1); c.34655C>G, p.Ser11552Ter (NM_003319.4); c.54146C>G, p.Ser18049Ter (NM_133378.4); c.35030C>G, p.Ser11677Ter (NM_133432.3); c.35231C>G, p.Ser11744Ter (NM_133437.4); short protein forms S11744*, S11552*, S11677*, S20617*, S18049*, S18976*.
Identifiers: ClinVar variation 1464689 (VCV001464689.6), dbSNP rs2154184066, ClinGen allele CA349468282.

ClinVar aggregate classification (germline): Likely pathogenic (1 of 4 stars; one submission).

Conditions:
Dilated cardiomyopathy 1G (CMD1G). Identifiers: Orphanet 154, MedGen C1858763, MONDO:0011400, OMIM 604145.
Autosomal recessive limb-girdle muscular dystrophy type 2J (LGMDR10). Also called: Limb-girdle muscular dystrophy, type 2J; MUSCULAR DYSTROPHY, LIMB-GIRDLE, AUTOSOMAL RECESSIVE 10. Identifiers: Orphanet 140922, MedGen C1837342, MONDO:0012127, OMIM 608807.

Submission:

Labcorp Genetics (formerly Invitae), Labcorp
Classification: Likely pathogenic for Dilated cardiomyopathy 1G; Autosomal recessive limb-girdle muscular dystrophy type 2J. Last evaluated: 2023-08-04. Review status: criteria provided, single submitter. Criteria: Invitae Variant Classification Sherloc (09022015). Collection method: clinical testing. Allele origin: germline.
Comment: This variant is not present in population databases (gnomAD no frequency). This variant has not been reported in the literature in individuals affected with TTN-related conditions. ClinVar contains an entry for this variant (Variation ID: 1464689). This variant is located in the A band of TTN (PMID: 25589632). Truncating variants in this region are significantly overrepresented in patients affected with dilated cardiomyopathy (PMID: 25589632). Truncating variants in this region have also been reported in individuals affected with autosomal recessive centronuclear myopathy (PMID: 23975875). In summary, the currently available evidence indicates that the variant is pathogenic, but additional data are needed to prove that conclusively. Therefore, this variant has been classified as Likely Pathogenic. This sequence change creates a premature translational stop signal (p.Ser20617*) in the TTN gene. While this is not anticipated to result in nonsense mediated decay, it is expected to create a truncated TTN protein.

Literature cited by the submitters: PubMed 25589632; PubMed 23975875.